The following is an entry in ClinVar:

NM_182961.4(SYNE1):c.4289T>C (p.Leu1430Ser)

Gene: SYNE1 (spectrin repeat containing nuclear envelope protein 1; minus strand). Cytogenetic location: 6q25.2.
Variant type: single nucleotide variant.
Coding change: c.4289T>C on transcript NM_182961.4 (MANE Select); coding-DNA position 4289, T replaced by C.
Protein change: p.Leu1430Ser; replaces leucine 1430 with serine.
Molecular consequence: missense variant.
Genome position (GRCh38, 1-based): chr6:152,435,962, A>G on the plus strand (T>C on the coding strand, the complement: SYNE1 is on the minus strand). VCF-style: chr6-152435962-A-G. GRCh37 (hg19) VCF-style: chr6-152757097-A-G.
Other names: c.4310T>C, p.Leu1437Ser (NM_033071.5); short protein forms L1430S, L1437S.
Identifiers: ClinVar variation 2429397 (VCV002429397.3), dbSNP rs2499523584, ClinGen allele CA366144959.

ClinVar aggregate classification (germline): Uncertain significance (1 of 4 stars; one submission).

Submission:

Illumina Laboratory Services, Illumina
Classification: Uncertain significance. Last evaluated: 2022-08-26. Review status: criteria provided, single submitter. Criteria: ICSL CNVClassificationCriteria Aug2020. Collection method: clinical testing. Allele origin: unknown. Affected: yes.
Comment: The SYNE1 c.4289T>C (p.Leu1430Ser) missense variant results in the substitution of leucine at amino acid position 1430 with serine. To our knowledge, this variant has not been reported in the peer-reviewed literature. This variant is not found in version 2.1.1 or version 3.1.2 of the Genome Aggregation Database. Based on the available evidence, the c.4289T>C p.(Leu1430Ser) variant is classified as a variant of uncertain significance.